The following is an entry in ClinVar:

ClinVar aggregate classification (germline): Uncertain significance (1 of 4 stars; one submission).

Conditions:
Cardiovascular phenotype. Identifiers: MedGen CN230736.

Submission:

Ambry Genetics
Classification: Uncertain significance for Cardiovascular phenotype. Last evaluated: 2024-03-30. Review status: criteria provided, single submitter. Criteria: Ambry Variant Classification Scheme 2023. Collection method: clinical testing. Allele origin: germline.
Comment: The p.V367G variant (also known as c.1100T>G), located in coding exon 8 of the FKTN gene, results from a T to G substitution at nucleotide position 1100. The valine at codon 367 is replaced by glycine, an amino acid with dissimilar properties. This amino acid position is conserved. In addition, this alteration is predicted to be deleterious by in silico analysis. Based on the available evidence, the clinical significance of this alteration remains unclear.

NM_001079802.2(FKTN):c.1100T>G (p.Val367Gly)

Gene: FKTN (fukutin; plus strand). Cytogenetic location: 9q31.2.
Variant type: single nucleotide variant.
Coding change: c.1100T>G on transcript NM_001079802.2 (MANE Select); coding-DNA position 1100, T replaced by G.
Protein change: p.Val367Gly; replaces valine 367 with glycine.
Molecular consequence: missense variant. On other transcripts: non-coding transcript variant (2).
Genome position (GRCh38, 1-based): chr9:105,619,989, T>G. VCF-style: chr9-105619989-T-G. GRCh37 (hg19) VCF-style: chr9-108382270-T-G.
Other names: c.1100T>G, p.Val367Gly (NM_001198963.2, NM_001351496.2, NM_001351498.2 and 1 more transcripts); c.1031T>G, p.Val344Gly (NM_001351497.2); c.704T>G, p.Val235Gly (NM_001351499.2, NM_001351500.2, NM_001351501.2 and 1 more transcripts); short protein forms V235G, V344G, V367G.
Identifiers: ClinVar variation 3278993 (VCV003278993.1).